The following is an entry in ClinVar:

ClinVar aggregate classification (germline): Uncertain significance. Review status: criteria provided, multiple submitters, no conflicts (2 of 4 stars). 2 submissions from 2 submitters: Uncertain significance (2). Last evaluated 2023-09-25.

Conditions:
Progressive myoclonic epilepsy type 8. Identifiers: Orphanet 424027, MedGen C5190825, MONDO:0014545, OMIM 616230.

Allele frequency attached by ClinVar (database versions not stated): gnomAD 0.00005 and 0.00006; TOPMed 0.00006; gnomAD exomes 0.00008 and 0.00010; ExAC 0.00040.
gnomAD v4.1: 41 of 578,038 alleles (0.0071%); highest among the groups gnomAD compares: Admixed American, 0.037%; no homozygotes.

Submissions (2):

Blueprint Genetics
Classification: Uncertain significance. Last evaluated: 2023-09-25. Review status: criteria provided, single submitter. Criteria: ACMG Guidelines, 2015. Collection method: clinical testing. Allele origin: germline.

Labcorp Genetics (formerly Invitae), Labcorp
Classification: Uncertain significance for Progressive myoclonic epilepsy type 8. Last evaluated: 2022-09-01. Review status: criteria provided, single submitter. Criteria: Invitae Variant Classification Sherloc (09022015). Collection method: clinical testing. Allele origin: germline.
Comment: This sequence change replaces leucine, which is neutral and non-polar, with valine, which is neutral and non-polar, at codon 340 of the CERS1 protein (p.Leu340Val). This variant is present in population databases (rs774114834, gnomAD 0.02%). This variant has not been reported in the literature in individuals affected with CERS1-related conditions. ClinVar contains an entry for this variant (Variation ID: 475367). Algorithms developed to predict the effect of missense changes on protein structure and function are either unavailable or do not agree on the potential impact of this missense change (SIFT: "Tolerated"; PolyPhen-2: "Not Available"; Align-GVGD: "Class C0"). Algorithms developed to predict the effect of sequence changes on RNA splicing suggest that this variant may create or strengthen a splice site. In summary, the available evidence is currently insufficient to determine the role of this variant in disease. Therefore, it has been classified as a Variant of Uncertain Significance.

NM_021267.5(CERS1):c.1018C>G (p.Leu340Val)

Genes: CERS1 (ceramide synthase 1; minus strand), GDF1 (growth differentiation factor 1; minus strand). Cytogenetic location: 19p13.11.
Variant type: single nucleotide variant.
Coding change: c.1018C>G on transcript NM_021267.5 (MANE Select); coding-DNA position 1018, C replaced by G.
Protein change: p.Leu340Val; replaces leucine 340 with valine.
Molecular consequence: missense variant. On other transcripts: 5 prime UTR variant (2).
Genome position (GRCh38, 1-based): chr19:18,870,612, G>C on the plus strand (C>G on the coding strand, the complement: CERS1 is on the minus strand). VCF-style: chr19-18870612-G-C. GRCh37 (hg19) VCF-style: chr19-18981421-G-C.
Other names: c.1018C>G, p.Leu340Val (NM_001387440.1); c.-305C>G (NM_001387438.1, NM_001492.6); short protein forms L340V.
Identifiers: ClinVar variation 475367 (VCV000475367.9), dbSNP rs774114834, ClinGen allele CA9318037.
Genomic context (GRCh38, chr19:18,870,612, plus strand): 5'-GTCCACGGGGGCGGGGCCGAGGGGTTCAGAAGCGCTTGTCCTTCACCAGGCCGTTCCTCA[G>C]TGGCTTCCTGGGGGTCAGAACCGGCGCAGGTTAGCCTGGGAGCCCCACGCGGCCGCCTGG-3'
Protein context (NP_067090.1, residues 330-350): SLKPSKAEKP[Leu340Val]RNGLVKDKRF